The following is an entry in ClinVar:

NM_000208.4(INSR):c.2296G>A (p.Asp766Asn)

Gene: INSR (insulin receptor; minus strand). Cytogenetic location: 19p13.2.
Variant type: single nucleotide variant.
Coding change: c.2296G>A on transcript NM_000208.4 (MANE Select); coding-DNA position 2296, G replaced by A.
Protein change: p.Asp766Asn; replaces aspartic acid 766 with asparagine.
Molecular consequence: missense variant.
Genome position (GRCh38, 1-based): chr19:7,143,062, C>T on the plus strand (G>A on the coding strand, the complement: INSR is on the minus strand). VCF-style: chr19-7143062-C-T. GRCh37 (hg19) VCF-style: chr19-7143073-C-T.
Other names: c.2260G>A, p.Asp754Asn (NM_001079817.3); short protein forms D754N, D766N.
Identifiers: ClinVar variation 2970962 (VCV002970962.3), dbSNP rs774340801, ClinGen allele CA9135583.
Genomic context (GRCh38, chr19:7,143,062, plus strand): 5'-TCGAGGAAGTGTTGGGGAAAGCTGCCACCGTGGGCACGGCCACCGTCACATTCCCAACAT[C>T]GCCAAGGGACCTGCGTTTCCGAGATGGCCTGGAACGACAGTAGGACATGTATGATGACAC-3'
Protein context (NP_000199.2, residues 756-776): RPSRKRRSLG[Asp766Asn]VGNVTVAVPT

ClinVar aggregate classification (germline): Uncertain significance (1 of 4 stars; one submission).

Allele frequency attached by ClinVar (database versions not stated): ExAC 0.00003.
gnomAD v4.1: 19 of 1,614,192 alleles (0.0012%); highest among the groups gnomAD compares: South Asian, 0.012%; no homozygotes.

Submission:

Labcorp Genetics (formerly Invitae), Labcorp
Classification: Uncertain significance. Last evaluated: 2023-11-29. Review status: criteria provided, single submitter. Criteria: Invitae Variant Classification Sherloc (09022015). Collection method: clinical testing. Allele origin: germline.
Comment: This sequence change replaces aspartic acid, which is acidic and polar, with asparagine, which is neutral and polar, at codon 766 of the INSR protein (p.Asp766Asn). This variant is present in population databases (rs774340801, gnomAD 0.01%). This variant has not been reported in the literature in individuals affected with INSR-related conditions. Advanced modeling of protein sequence and biophysical properties (such as structural, functional, and spatial information, amino acid conservation, physicochemical variation, residue mobility, and thermodynamic stability) performed at Invitae indicates that this missense variant is not expected to disrupt INSR protein function with a negative predictive value of 80%. In summary, the available evidence is currently insufficient to determine the role of this variant in disease. Therefore, it has been classified as a Variant of Uncertain Significance.